The following is an entry in ClinVar:

ClinVar aggregate classification (germline): Uncertain significance. Review status: criteria provided, multiple submitters, no conflicts (2 of 4 stars). 6 submissions from 6 submitters: Uncertain significance (6). Last evaluated 2026-01-05.

Conditions:
Hereditary nonpolyposis colorectal neoplasms. Identifiers: MedGen C0009405, MeSH D003123.
Hereditary cancer-predisposing syndrome. Also called: Hereditary Cancer Syndrome; Hereditary neoplastic syndrome; Neoplastic Syndromes, Hereditary; Tumor predisposition. Identifiers: Orphanet 140162, MedGen C0027672, MeSH D009386, MONDO:0015356.
Lynch syndrome. Identifiers: Orphanet 144, MedGen C4552100, MONDO:0005835. Disease mechanism: loss of function.
Lynch syndrome 4 (LYNCH4). Also called: Hereditary non-polyposis colorectal cancer, type 4; Colorectal cancer, hereditary nonpolyposis, type 4. Identifiers: Orphanet 144, MedGen C1838333, MONDO:0013699, OMIM 614337. Disease mechanism: loss of function.

gnomAD v4.1: 2 of 1,595,262 alleles (0.00013%); highest among the groups gnomAD compares: Non-Finnish European, 0.00017%; no homozygotes.

Submissions (6):

Labcorp Genetics (formerly Invitae), Labcorp
Classification: Uncertain significance for Hereditary nonpolyposis colorectal neoplasms. Last evaluated: 2026-01-05. Review status: criteria provided, single submitter. Criteria: Invitae Variant Classification Sherloc (09022015). Collection method: clinical testing. Allele origin: germline.
Comment: This sequence change replaces phenylalanine, which is neutral and non-polar, with leucine, which is neutral and non-polar, at codon 80 of the PMS2 protein (p.Phe80Leu). This variant is present in population databases (rs143162541, gnomAD 0.0009%). This variant has not been reported in the literature in individuals affected with PMS2-related conditions. ClinVar contains an entry for this variant (Variation ID: 216456). Invitae Evidence Modeling incorporating data from in vitro experimental studies (internal data) indicates that this missense variant is not expected to disrupt PMS2 function with a negative predictive value of 95%. In summary, the available evidence is currently insufficient to determine the role of this variant in disease. Therefore, it has been classified as a Variant of Uncertain Significance.

Ambry Genetics
Classification: Uncertain significance for Hereditary cancer-predisposing syndrome. Last evaluated: 2025-02-27. Review status: criteria provided, single submitter. Criteria: Ambry Variant Classification Scheme 2023. Collection method: clinical testing. Allele origin: germline.
Comment: The p.F80L variant (also known as c.240C>G), located in coding exon 3 of the PMS2 gene, results from a C to G substitution at nucleotide position 240. The phenylalanine at codon 80 is replaced by leucine, an amino acid with highly similar properties. This amino acid position is highly conserved in available vertebrate species. In addition, this alteration is predicted to be deleterious by in silico analysis. Based on the available evidence, the clinical significance of this variant remains unclear.

GeneDx
Classification: Uncertain significance. Last evaluated: 2023-11-29. Review status: criteria provided, single submitter. Criteria: GeneDx Variant Classification Process June 2021. Collection method: clinical testing. Allele origin: germline. Affected: yes.
Comment: Not observed at significant frequency in large population cohorts (gnomAD); In silico analysis supports that this missense variant has a deleterious effect on protein structure/function; Has not been previously published as pathogenic or benign to our knowledge; This variant is associated with the following publications: (PMID: 15475387, 23104009, 11574484)

Baylor Genetics
Classification: Uncertain significance for Lynch syndrome 4. Last evaluated: 2023-07-21. Review status: criteria provided, single submitter. Criteria: ACMG Guidelines, 2015. Collection method: clinical testing. Allele origin: unknown.

All of Us Research Program, National Institutes of Health
Classification: Uncertain significance for Lynch syndrome. Last evaluated: 2023-06-28. Review status: criteria provided, single submitter. Criteria: ACMG Guidelines, 2015. Collection method: clinical testing. Allele origin: germline. Inheritance: Autosomal dominant inheritance. Observed: 1 variant allele, 1 heterozygote.
Comment: This missense variant replaces phenylalanine with leucine at codon 80 of the PMS2 protein. Computational prediction is inconclusive regarding the impact of this variant on protein structure and function (internally defined REVEL score threshold 0.5 < inconclusive < 0.7, PMID: 27666373). Splice site prediction tools suggest that this variant may not impact RNA splicing. To our knowledge, functional studies have not been performed for this variant. This variant has not been reported in individuals affected with hereditary cancer in the literature. This variant has been identified in 1/250832 chromosomes in the general population by the Genome Aggregation Database (gnomAD). The available evidence is insufficient to determine the role of this variant in disease conclusively. Therefore, this variant is classified as a Variant of Uncertain Significance.

This study involves interpretation of variants in research participants for the purpose of population health screening. Participant phenotype was not available at the time of variant classification. Additional details can be found in publication PMID: 35346344, PMCID: PMC8962531

Color Diagnostics, LLC DBA Color Health
Classification: Uncertain significance for Hereditary cancer-predisposing syndrome. Last evaluated: 2019-12-17. Review status: criteria provided, single submitter. Criteria: ACMG Guidelines, 2015. Collection method: clinical testing. Allele origin: germline.
Comment: This missense variant replaces phenylalanine with leucine at codon 80 of the PMS2 protein. Computational prediction is inconclusive regarding the impact of this variant on protein structure and function (internally defined REVEL score threshold 0.5 < inconclusive < 0.7, PMID: 27666373). Splice site prediction tools suggest that this variant may not impact RNA splicing. To our knowledge, functional studies have not been performed for this variant. This variant has not been reported in individuals affected with hereditary cancer in the literature. This variant has been identified in 1/250832 chromosomes in the general population by the Genome Aggregation Database (gnomAD). The available evidence is insufficient to determine the role of this variant in disease conclusively. Therefore, this variant is classified as a Variant of Uncertain Significance.

NM_000535.7(PMS2):c.240C>G (p.Phe80Leu)

Gene: PMS2 (PMS1 homolog 2, mismatch repair system component; minus strand). Cytogenetic location: 7p22.1.
Variant type: single nucleotide variant.
Coding change: c.240C>G on transcript NM_000535.7 (MANE Select); coding-DNA position 240, C replaced by G.
Protein change: p.Phe80Leu; replaces phenylalanine 80 with leucine.
Molecular consequence: missense variant. On other transcripts: 5 prime UTR variant (9), non-coding transcript variant (1).
Genome position (GRCh38, 1-based): chr7:6,003,982, G>C on the plus strand (C>G on the coding strand, the complement: PMS2 is on the minus strand). VCF-style: chr7-6003982-G-C. GRCh37 (hg19) VCF-style: chr7-6043613-G-C.
Other names: c.-166C>G (NM_001322003.2, NM_001322004.2, NM_001322005.2 and 3 more transcripts); c.240C>G, p.Phe80Leu (NM_001322006.2, NM_001322014.2); c.25C>G, p.Arg9Gly (NM_001322007.2, NM_001322008.2); c.-645C>G (NM_001322011.2, NM_001322012.2); c.-245C>G (NM_001322015.2); short protein forms F80L, R9G.
Identifiers: ClinVar variation 216456 (VCV000216456.21), dbSNP rs143162541, ClinGen allele CA048060.